The following is an entry in ClinVar:

NM_001042492.3(NF1):c.7718C>G (p.Ala2573Gly)

Gene: NF1 (neurofibromin 1; plus strand). Cytogenetic location: 17q11.2.
Variant type: single nucleotide variant.
Coding change: c.7718C>G on transcript NM_001042492.3 (MANE Select); coding-DNA position 7718, C replaced by G.
Protein change: p.Ala2573Gly; replaces alanine 2573 with glycine.
Molecular consequence: missense variant.
Genome position (GRCh38, 1-based): chr17:31,356,562, C>G. VCF-style: chr17-31356562-C-G. GRCh37 (hg19) VCF-style: chr17-29683580-C-G.
Other names: c.7655C>G, p.Ala2552Gly (NM_000267.4); short protein forms A2573G, A2552G.
Identifiers: ClinVar variation 1759994 (VCV001759994.4), dbSNP rs2070275358, ClinGen allele CA399018197.

ClinVar aggregate classification (germline): Conflicting classifications of pathogenicity. Review status: criteria provided, conflicting classifications (1 of 4 stars). 2 submissions from 2 submitters: Uncertain significance (1); Likely benign (1). Last evaluated 2026-08-03.

Conditions:
Neurofibromatosis, type 1 (NF1). Also called: VON RECKLINGHAUSEN DISEASE; Peripheral type neurofibromatosis; Neurofibromatosis, type I; NEUROFIBROMATOSIS, TYPE I, SOMATIC. Identifiers: Orphanet 636, MedGen C0027831, MONDO:0018975, OMIM 162200. Disease mechanism: loss of function.
Cardiovascular phenotype. Identifiers: MedGen CN230736.
Hereditary cancer-predisposing syndrome. Also called: Hereditary Cancer Syndrome; Hereditary neoplastic syndrome; Neoplastic Syndromes, Hereditary; Tumor predisposition. Identifiers: Orphanet 140162, MedGen C0027672, MeSH D009386, MONDO:0015356.

gnomAD v4.1: 1 of 1,613,644 alleles (0.000062%); highest among the groups gnomAD compares: Non-Finnish European, 0.000085%; no homozygotes.

Submissions (2):

Ambry Genetics
Classification: Likely benign for Cardiovascular phenotype; Hereditary cancer-predisposing syndrome. Last evaluated: 2026-08-03. Review status: criteria provided, single submitter. Criteria: Ambry Variant Classification Scheme 2023. Collection method: clinical testing. Allele origin: germline.

Labcorp Genetics (formerly Invitae), Labcorp
Classification: Uncertain significance for Neurofibromatosis, type 1. Last evaluated: 2025-05-18. Review status: criteria provided, single submitter. Criteria: Invitae Variant Classification Sherloc (09022015). Collection method: clinical testing. Allele origin: germline.
Comment: This sequence change replaces alanine, which is neutral and non-polar, with glycine, which is neutral and non-polar, at codon 2552 of the NF1 protein (p.Ala2552Gly). This variant is not present in population databases (gnomAD no frequency). This variant has not been reported in the literature in individuals affected with NF1-related conditions. ClinVar contains an entry for this variant (Variation ID: 1759994). Invitae Evidence Modeling of protein sequence and biophysical properties (such as structural, functional, and spatial information, amino acid conservation, physicochemical variation, residue mobility, and thermodynamic stability) indicates that this missense variant is not expected to disrupt NF1 protein function with a negative predictive value of 95%. In summary, the available evidence is currently insufficient to determine the role of this variant in disease. Therefore, it has been classified as a Variant of Uncertain Significance.